The following is an entry in ClinVar:

ClinVar aggregate classification (germline): Conflicting classifications of pathogenicity. Review status: criteria provided, conflicting classifications (1 of 4 stars). 4 submissions from 4 submitters: Uncertain significance (1); Likely benign (3). Last evaluated 2026-06-15.

Conditions:
TTN-related disorder. Also called: TTN-related disorders; TTN-related condition; TTN-related disease.
Autosomal recessive limb-girdle muscular dystrophy type 2J (LGMDR10). Also called: MUSCULAR DYSTROPHY, LIMB-GIRDLE, AUTOSOMAL RECESSIVE 10; Limb-girdle muscular dystrophy, type 2J. Identifiers: Orphanet 140922, MedGen C1837342, MONDO:0012127, OMIM 608807.
Dilated cardiomyopathy 1G (CMD1G). Identifiers: Orphanet 154, MedGen C1858763, MONDO:0011400, OMIM 604145.
Cardiovascular phenotype. Identifiers: MedGen CN230736.

Allele frequency attached by ClinVar (database versions not stated): TOPMed 0.00001; gnomAD 0.00002; gnomAD exomes 0.00002; ExAC 0.00003.
gnomAD v4.1: 33 of 1,614,000 alleles (0.002%); highest among the groups gnomAD compares: East Asian, 0.027%; no homozygotes.

Submissions (4):

PreventionGenetics, part of Exact Sciences
Classification: Likely benign for TTN-related condition. Last evaluated: 2026-06-15. Review status: criteria provided, single submitter. Criteria: ACMG Guidelines, 2015. Collection method: clinical testing. Allele origin: germline.
Comment: This variant is classified as likely benign based on ACMG/AMP sequence variant interpretation guidelines (Richards et al. 2015 PMID: 25741868, with internal and published modifications).

Blueprint Genetics
Classification: Likely benign. Last evaluated: 2022-08-01. Review status: criteria provided, single submitter. Criteria: ACMG Guidelines, 2015. Collection method: clinical testing. Allele origin: germline.

Labcorp Genetics (formerly Invitae), Labcorp
Classification: Uncertain significance for Dilated cardiomyopathy 1G; Autosomal recessive limb-girdle muscular dystrophy type 2J. Last evaluated: 2021-03-10. Review status: criteria provided, single submitter. Criteria: Invitae Variant Classification Sherloc (09022015). Collection method: clinical testing. Allele origin: germline.
Comment: This sequence change affects codon 156 of the TTN mRNA. It is a 'silent' change, meaning that it does not change the encoded amino acid sequence of the TTN protein. This variant is present in population databases (rs761096069, ExAC 0.03%). This variant has not been reported in the literature in individuals with TTN-related conditions. Algorithms developed to predict the effect of sequence changes on RNA splicing suggest that this variant may create or strengthen a splice site, but this prediction has not been confirmed by published transcriptional studies. In summary, the available evidence is currently insufficient to determine the role of this variant in disease. Therefore, it has been classified as a Variant of Uncertain Significance.

Ambry Genetics
Classification: Likely benign for Cardiovascular phenotype. Last evaluated: 2021-01-05. Review status: criteria provided, single submitter. Criteria: Ambry Variant Classification Scheme 2023. Collection method: clinical testing. Allele origin: germline.

NM_001267550.2(TTN):c.468C>T (p.Gly156=)

Gene: TTN (titin; minus strand). Cytogenetic location: 2q31.2.
Variant type: single nucleotide variant.
Coding change: c.468C>T on transcript NM_001267550.2 (MANE Select); coding-DNA position 468, C replaced by T.
Protein change: p.Gly156=; no amino-acid change (glycine 156 retained).
Molecular consequence: synonymous variant.
Genome position (GRCh38, 1-based): chr2:178,800,510, G>A on the plus strand (C>T on the coding strand, the complement: TTN is on the minus strand). VCF-style: chr2-178800510-G-A. GRCh37 (hg19) VCF-style: chr2-179665237-G-A.
Other names: c.468C>T, p.Gly156= (NM_001256850.1, NM_003319.4, NM_133378.4 and 3 more transcripts).
Identifiers: ClinVar variation 1742458 (VCV001742458.6), dbSNP rs761096069, ClinGen allele CA2006318.